The following is an entry in ClinVar:

ClinVar aggregate classification (germline): Uncertain significance (1 of 4 stars; one submission).

Conditions:
Oculodentodigital dysplasia, autosomal recessive. Also called: OCULODENTOOSSEOUS DYSPLASIA, AUTOSOMAL RECESSIVE; ODDD, AUTOSOMAL RECESSIVE; ODOD, AUTOSOMAL RECESSIVE. Identifiers: Orphanet 2710, MedGen C2749477, MONDO:0009768, OMIM 257850.

Submission:

Labcorp Genetics (formerly Invitae), Labcorp
Classification: Uncertain significance for Oculodentodigital dysplasia, autosomal recessive. Last evaluated: 2025-10-14. Review status: criteria provided, single submitter. Criteria: Invitae Variant Classification Sherloc (09022015). Collection method: clinical testing. Allele origin: germline.
Comment: This sequence change replaces asparagine, which is neutral and polar, with aspartic acid, which is acidic and polar, at codon 329 of the GJA1 protein (p.Asn329Asp). This variant is not present in population databases (gnomAD no frequency). This variant has not been reported in the literature in individuals affected with GJA1-related conditions. Invitae Evidence Modeling of protein sequence and biophysical properties (such as structural, functional, and spatial information, amino acid conservation, physicochemical variation, residue mobility, and thermodynamic stability) has been performed for this missense variant. However, the output from this modeling did not meet the statistical confidence thresholds required to predict the impact of this variant on GJA1 protein function. In summary, the available evidence is currently insufficient to determine the role of this variant in disease. Therefore, it has been classified as a Variant of Uncertain Significance.

NM_000165.5(GJA1):c.985A>G (p.Asn329Asp)

Gene: GJA1 (gap junction protein alpha 1; plus strand). Cytogenetic location: 6q22.31.
Variant type: single nucleotide variant.
Coding change: c.985A>G on transcript NM_000165.5 (MANE Select); coding-DNA position 985, A replaced by G.
Protein change: p.Asn329Asp; replaces asparagine 329 with aspartic acid.
Molecular consequence: missense variant.
Genome position (GRCh38, 1-based): chr6:121,447,832, A>G. VCF-style: chr6-121447832-A-G. GRCh37 (hg19) VCF-style: chr6-121768978-A-G.
Other names: short protein forms N329D.
Identifiers: ClinVar variation 4737100 (VCV004737100.1).
Genomic context (GRCh38, chr6:121,447,832, plus strand): 5'-AACTGGGCTAATTACAGTGCAGAACAAAATCGAATGGGGCAGGCGGGAAGCACCATCTCT[A>G]ACTCCCATGCACAGCCTTTTGATTTCCCCGATGATAACCAGAATTCTAAAAAACTAGCTG-3'
Protein context (NP_000156.1, residues 319-339): RMGQAGSTIS[Asn329Asp]SHAQPFDFPD